The following is an entry in ClinVar:

ClinVar aggregate classification (germline): Uncertain significance (1 of 4 stars; one submission).

Conditions:
Inborn genetic diseases. Identifiers: MedGen C0950123, MeSH D030342.

gnomAD v4.1: 2 of 1,614,100 alleles (0.00012%); highest among the groups gnomAD compares: Non-Finnish European, 0.00017%; no homozygotes.

Submission:

Ambry Genetics
Classification: Uncertain significance for Inborn genetic diseases. Last evaluated: 2025-04-10. Review status: criteria provided, single submitter. Criteria: Ambry Variant Classification Scheme 2023. Collection method: clinical testing. Allele origin: germline.
Comment: The p.Q592R variant (also known as c.1775A>G), located in coding exon 13 of the ASXL1 gene, results from an A to G substitution at nucleotide position 1775. The glutamine at codon 592 is replaced by arginine, an amino acid with highly similar properties. This amino acid position is conserved. In addition, the in silico prediction for this alteration is inconclusive. Based on the available evidence, the clinical significance of this variant remains unclear.

NM_015338.6(ASXL1):c.1775A>G (p.Gln592Arg)

Gene: ASXL1 (ASXL transcriptional regulator 1; plus strand). Cytogenetic location: 20q11.21.
Variant type: single nucleotide variant.
Coding change: c.1775A>G on transcript NM_015338.6 (MANE Select); coding-DNA position 1775, A replaced by G.
Protein change: p.Gln592Arg; replaces glutamine 592 with arginine.
Molecular consequence: missense variant.
Genome position (GRCh38, 1-based): chr20:32,434,487, A>G. VCF-style: chr20-32434487-A-G. GRCh37 (hg19) VCF-style: chr20-31022290-A-G.
Other names: c.1592A>G, p.Gln531Arg (NM_001363734.1); short protein forms Q592R, Q531R.
Identifiers: ClinVar variation 3956015 (VCV003956015.1).